The following is an entry in ClinVar:

NM_018052.5(VAC14):c.1320G>A (p.Thr440=)

Genes: VAC14 (VAC14 component of PIKFYVE complex; minus strand), VAC14-AS1 (VAC14 antisense RNA 1; plus strand). Cytogenetic location: 16q22.1.
Variant type: single nucleotide variant.
Coding change: c.1320G>A on transcript NM_018052.5 (MANE Select); coding-DNA position 1320, G replaced by A.
Protein change: p.Thr440=; no amino-acid change (threonine 440 retained).
Molecular consequence: synonymous variant.
Genome position (GRCh38, 1-based): chr16:70,762,591, C>T on the plus strand (G>A on the coding strand, the complement: VAC14 is on the minus strand). VCF-style: chr16-70762591-C-T. GRCh37 (hg19) VCF-style: chr16-70796494-C-T.
Other names: c.618G>A, p.Thr206= (NM_001351157.2).
Identifiers: ClinVar variation 784658 (VCV000784658.12), dbSNP rs78503253, ClinGen allele CA8147713.
Genomic context (GRCh38, chr16:70,762,591, plus strand): 5'-GTGACCTACCTCATCCGATTCATCCGATAACGTCTGCAGTAGGATGGGAAAGAGGCTGTC[C>T]GTGTGCCGGAACATCTGGAGGGCAGAGAAGCAGGGGTGCCCGTGAGTGCTCCCTTCGCCC-3'
Protein context (NP_060522.3, residues 430-450): IKTPRKMFRH[Thr440=]DSLFPILLQT

ClinVar aggregate classification (germline): Benign. Review status: criteria provided, multiple submitters, no conflicts (2 of 4 stars). 3 submissions from 3 submitters: Benign (2). 1 of the submissions does not count toward it. Last evaluated 2026-01-11.

Conditions:
VAC14-related disorder. Also called: VAC14-related condition.

Allele frequency attached by ClinVar (database versions not stated): 1000 Genomes Project 30x 0.00406; TOPMed 0.00198; ESP Exome Variant Server 0.00054; 1000 Genomes Project 0.00419.
gnomAD v4.1: 1,524 of 1,614,032 alleles (0.094%); highest among the groups gnomAD compares: Admixed American, 1.7%; 13 homozygotes.

Submissions (3):

Labcorp Genetics (formerly Invitae), Labcorp
Classification: Benign. Last evaluated: 2026-01-11. Review status: criteria provided, single submitter. Criteria: Invitae Variant Classification Sherloc (09022015). Collection method: clinical testing. Allele origin: germline.

Breakthrough Genomics
Classification: Benign. Review status: criteria provided, single submitter. Criteria: ACMG Guidelines, 2015. Collection method: not provided. Allele origin: germline. Inheritance: Autosomal recessive inheritance. Affected: yes.

PreventionGenetics, part of Exact Sciences
Classification: Benign for VAC14-related condition. Last evaluated: 2019-06-05. Review status: no assertion criteria provided. Collection method: clinical testing. Allele origin: germline. Not counted in ClinVar's aggregate classification.
Comment: This variant is classified as benign based on ACMG/AMP sequence variant interpretation guidelines (Richards et al. 2015 PMID: 25741868, with internal and published modifications).